The following is an entry in ClinVar:

ClinVar aggregate classification (germline): Conflicting classifications of pathogenicity. Review status: criteria provided, conflicting classifications (1 of 4 stars). 9 submissions from 9 submitters: Uncertain significance (5); Benign (1); Likely benign (2). 1 of the submissions does not count toward it. Last evaluated 2026-02-02.

Conditions:
Hereditary cancer-predisposing syndrome. Also called: Tumor predisposition; Hereditary neoplastic syndrome; Neoplastic Syndromes, Hereditary; Hereditary Cancer Syndrome. Identifiers: Orphanet 140162, MedGen C0027672, MeSH D009386, MONDO:0015356.
Carcinoma of colon (CRC). Also called: Colonic carcinoma; Colon carcinoma. Identifiers: MedGen C0699790, MONDO:0002032.
Familial cancer of breast. Also called: hereditary breast carcinoma; BREAST CANCER, FAMILIAL; Hereditary breast cancer. Identifiers: Orphanet 227535, MedGen C0346153, MONDO:0016419, OMIM 114480. Disease mechanism: loss of function.
Fanconi anemia complementation group N. Also called: PALB2-Related Fanconi Anemia. Identifiers: Orphanet 84, MedGen C1835817, MONDO:0012565, OMIM 610832. Disease mechanism: loss of function.

Allele frequency attached by ClinVar (database versions not stated): ExAC 0.00002; gnomAD 0.00004 and 0.00003; gnomAD exomes 0.00001; TOPMed 0.00003.
gnomAD v4.1: 13 of 1,613,948 alleles (0.00081%); highest among the groups gnomAD compares: African/African-American, 0.0067%; no homozygotes.

Submissions (9):

Labcorp Genetics (formerly Invitae), Labcorp
Classification: Uncertain significance for Familial cancer of breast. Last evaluated: 2026-02-02. Review status: criteria provided, single submitter. Criteria: Invitae Variant Classification Sherloc (09022015). Collection method: clinical testing. Allele origin: germline.
Comment: This sequence change replaces aspartic acid, which is acidic and polar, with asparagine, which is neutral and polar, at codon 277 of the PALB2 protein (p.Asp277Asn). This variant is present in population databases (rs778309339, gnomAD 0.008%). This missense change has been observed in individual(s) with breast and/or ovarian cancer (PMID: 26689913, 35534704, 35610400). ClinVar contains an entry for this variant (Variation ID: 186811). An algorithm developed to predict the effect of missense changes on protein structure and function outputs the following: PolyPhen-2: "Benign". The asparagine amino acid residue is found in multiple mammalian species, which suggests that this missense change does not adversely affect protein function. In summary, the available evidence is currently insufficient to determine the role of this variant in disease. Therefore, it has been classified as a Variant of Uncertain Significance.

GeneDx
Classification: Uncertain significance. Last evaluated: 2024-12-12. Review status: criteria provided, single submitter. Criteria: GeneDx Variant Classification Process June 2021. Collection method: clinical testing. Allele origin: germline. Affected: yes.
Comment: In silico analysis indicates that this missense variant does not alter protein structure/function; This variant is associated with the following publications: (PMID: 25344691, 24755471, 33471991, 36419139, 19369211, 28779002, 26689913, 28944238, 35534704, 35610400, 35585550)

Molecular Pathology, Peter Maccallum Cancer Centre
Classification: Uncertain significance for Familial cancer of breast. Last evaluated: 2024-01-14. Review status: criteria provided, single submitter. Criteria: ACMG Guidelines, 2015. Collection method: clinical testing. Allele origin: germline. Inheritance: Autosomal dominant inheritance.

Ambry Genetics
Classification: Likely benign for Hereditary cancer-predisposing syndrome. Last evaluated: 2023-11-17. Review status: criteria provided, single submitter. Criteria: Ambry Variant Classification Scheme 2023. Collection method: clinical testing. Allele origin: germline.

Myriad Genetics, Inc.
Classification: Benign for Familial cancer of breast. Last evaluated: 2023-09-29. Review status: criteria provided, single submitter. Criteria: Myriad Autosomal Dominant, Autosomal Recessive and X-Linked Classification Criteria (2023). Collection method: clinical testing. Allele origin: unknown.
Comment: This variant is considered benign. This variant is strongly associated with less severe personal and family histories of cancer, typical for individuals without pathogenic variants in this gene [PMID: 25085752]. This variant has been observed in trans with a known pathogenic variant in one or more individuals lacking clinical features consistent with gene-specific recessive disease.

Sema4
Classification: Uncertain significance for Hereditary cancer-predisposing syndrome. Last evaluated: 2022-03-13. Review status: criteria provided, single submitter. Criteria: Sema4 Curation Guidelines. Collection method: curation. Allele origin: germline.
Comment: The PALB2 c.829G>A (p.D277N) has been reported in heterozygosity in at least 3 individuals with breast, ovarian and colorectal cancer (PMID: 26689913, 28944238, 28779002). It has been reported in a large case-control studies of breast cancer in 2/60466 cases and 1/53461 controls (PMID: 33471991). This variant was observed in 2/24960 chromosomes in the African/African American population, according to the Genome Aggregation Database (PMID: 32461654). This variant has been reported in ClinVar (Variation ID: 186811). In silico tools suggest the impact of the variant on protein function is benign, though these predictions have not been confirmed by functional studies. The overall evidence is inconsistent with ACMG/AMP requirements for a classification of benign or pathogenic. In summary, the clinical significance of this variant is currently uncertain.

Baylor Genetics
Classification: Uncertain significance for Fanconi anemia complementation group N. Last evaluated: 2018-04-09. Review status: criteria provided, single submitter. Criteria: ACMG Guidelines, 2015. Collection method: clinical testing. Allele origin: unknown. Affected: yes.
Comment: This variant was determined to be of uncertain significance according to ACMG Guidelines, 2015 [PMID:25741868].

Color Diagnostics, LLC DBA Color Health
Classification: Likely benign for Hereditary cancer-predisposing syndrome. Last evaluated: 2016-03-03. Review status: criteria provided, single submitter. Criteria: ACMG Guidelines, 2015. Collection method: clinical testing. Allele origin: germline.

Leiden Open Variation Database
Classification: Uncertain significance for Colorectal cancer. Last evaluated: 2017-01-31. Review status: no assertion criteria provided. Collection method: curation. Allele origin: germline. Affected: yes. Not counted in ClinVar's aggregate classification.
Comment: Curators: Marc Tischkowitz, Arleen D. Auerbach. Submitter to LOVD: Melissa DeRycke.

Literature cited by the submitters: PubMed 26689913 (cited by Labcorp Genetics (formerly Invitae), Labcorp and Sema4); PubMed 35534704 (cited by Labcorp Genetics (formerly Invitae), Labcorp); PubMed 35610400 (cited by Labcorp Genetics (formerly Invitae), Labcorp); PubMed 28779002 (cited by Ambry Genetics and Sema4); PubMed 25085752 (cited by Myriad Genetics, Inc.); PubMed 28944238 (cited by Sema4); PubMed 33471991 (cited by Sema4).

NM_024675.4(PALB2):c.829G>A (p.Asp277Asn)

Gene: PALB2 (partner and localizer of BRCA2; minus strand). Cytogenetic location: 16p12.2.
Variant type: single nucleotide variant.
Coding change: c.829G>A on transcript NM_024675.4 (MANE Select); coding-DNA position 829, G replaced by A.
Protein change: p.Asp277Asn; replaces aspartic acid 277 with asparagine.
Molecular consequence: missense variant.
Genome position (GRCh38, 1-based): chr16:23,635,717, C>T on the plus strand (G>A on the coding strand, the complement: PALB2 is on the minus strand). VCF-style: chr16-23635717-C-T. GRCh37 (hg19) VCF-style: chr16-23647038-C-T.
Other names: short protein forms D277N.
Identifiers: ClinVar variation 186811 (VCV000186811.28), dbSNP rs778309339, ClinGen allele CA195935.
Genomic context (GRCh38, chr16:23,635,717, plus strand): 5'-TCATTTTTTTGCCTTGTGCCTCCAAACTTACAGGTGAAGTAAATCTAATGTTTTTTAGGT[C>T]GTGAGTAGTAAGTTCACTGCTACCTTTAGGAGGAATGTGTTCAAGGTGCTGACTACTACC-3'
Protein context (NP_078951.2, residues 267-287): PKGSSELTTH[Asp277Asn]LKNIRFTSPV